The following is an entry in ClinVar:

NM_000903.3(NQO1):c.631C>T (p.Arg211Cys)

Gene: NQO1 (NAD(P)H quinone dehydrogenase 1; minus strand). Cytogenetic location: 16q22.1.
Variant type: single nucleotide variant.
Coding change: c.631C>T on transcript NM_000903.3 (MANE Select); coding-DNA position 631, C replaced by T.
Protein change: p.Arg211Cys; replaces arginine 211 with cysteine.
Molecular consequence: missense variant.
Genome position (GRCh38, 1-based): chr16:69,711,170, G>A on the plus strand (C>T on the coding strand, the complement: NQO1 is on the minus strand). VCF-style: chr16-69711170-G-A. GRCh37 (hg19) VCF-style: chr16-69745073-G-A.
Other names: c.529C>T, p.Arg177Cys (NM_001025433.2); c.517C>T, p.Arg173Cys (NM_001025434.2); c.415C>T, p.Arg139Cys (NM_001286137.2); short protein forms R139C, R173C, R177C, R211C.
Identifiers: ClinVar variation 1752831 (VCV001752831.3), dbSNP rs114112422, ClinGen allele CA8136154.

ClinVar aggregate classification (germline): Uncertain significance (1 of 4 stars; one submission).

Allele frequency attached by ClinVar (database versions not stated): TOPMed below 0.00001; ExAC 0.00001; gnomAD exomes 0.00001.

Submission:

Ambry Genetics
Classification: Uncertain significance. Last evaluated: 2024-08-26. Review status: criteria provided, single submitter. Criteria: Ambry Variant Classification Scheme 2023. Collection method: clinical testing. Allele origin: germline.
Comment: The p.R211C variant (also known as c.631C>T), located in coding exon 6 of the NQO1 gene, results from a C to T substitution at nucleotide position 631. The arginine at codon 211 is replaced by cysteine, an amino acid with highly dissimilar properties. This amino acid position is conserved. In addition, the in silico prediction for this alteration is inconclusive. Since supporting evidence is limited at this time, the clinical significance of this alteration remains unclear.